The following is an entry in ClinVar:

NM_000059.4(BRCA2):c.9257-1658del

Gene: BRCA2 (BRCA2 DNA repair associated; plus strand). Cytogenetic location: 13q13.1.
Variant type: Deletion.
Coding change: c.9257-1658del on transcript NM_000059.4 (MANE Select); 1658 bases into the intron before coding-DNA position 9257, one base deleted (G; older notation c.9257-1658delG).
Molecular consequence: intron variant.
Genome position (GRCh38, 1-based): chr13:32,393,031, G deleted. VCF-style (leftmost placement, unchanged base first): chr13-32393030-TG-T. GRCh37 (hg19) VCF-style: chr13-32967167-TG-T.
Other names: IVS 24-1658del.
Identifiers: ClinVar variation 209899 (VCV000209899.1), dbSNP rs11571812, ClinGen allele CA276867.

ClinVar aggregate classification (germline): Benign (3 of 4 stars; one submission).

Conditions:
Breast-ovarian cancer, familial, susceptibility to, 2 (BROVCA2). Also called: BRCA2 Hereditary Breast and Ovarian Cancer. Identifiers: Orphanet 145, MedGen C2675520, MONDO:0012933, OMIM 612555. Disease mechanism: loss of function.

Allele frequency attached by ClinVar (database versions not stated): 1000 Genomes Project 0.01058; TOPMed 0.01198; gnomAD 0.01082 and 0.01179; 1000 Genomes Project 30x 0.01124.

Submission:

Evidence-based Network for the Interpretation of Germline Mutant Alleles (ENIGMA)
Classification: Benign for Breast-ovarian cancer, familial 2. Last evaluated: 2015-01-12. Review status: reviewed by expert panel. Criteria: ENIGMA BRCA1/2 Classification Criteria (2015). Collection method: curation. Allele origin: germline.
Comment: Class 1 not pathogenic based on frequency >1% in an outbred sampleset. Frequency 0.04 (African), derived from 1000 genomes (2012-04-30).